The following is an entry in ClinVar:

NM_017433.5(MYO3A):c.177C>T (p.Asp59=)

Gene: MYO3A (myosin IIIA; plus strand). Cytogenetic location: 10p12.1.
Variant type: single nucleotide variant.
Coding change: c.177C>T on transcript NM_017433.5 (MANE Select); coding-DNA position 177, C replaced by T.
Protein change: p.Asp59=; no amino-acid change (aspartic acid 59 retained).
Molecular consequence: synonymous variant.
Genome position (GRCh38, 1-based): chr10:25,954,882, C>T. VCF-style: chr10-25954882-C-T. GRCh37 (hg19) VCF-style: chr10-26243811-C-T.
Other names: c.177C>T, p.Asp59= (NM_001368265.1).
Identifiers: ClinVar variation 164603 (VCV000164603.36), dbSNP rs139958275, ClinGen allele CA177328.
Genomic context (GRCh38, chr10:25,954,882, plus strand): 5'-ACATTACTCATGGTTTTCTCACAGTTCTATTCTTATGACTTTTTGAAACTAGGATATTGA[C>T]GAAGAGATTGAAGCAGAATATAACATCTTAAAAGCACTTTCTGACCACCCTAATGTGGTC-3'
Protein context (NP_059129.3, residues 49-69): VKILDPIHDI[Asp59=]EEIEAEYNIL

ClinVar aggregate classification (germline): Conflicting classifications of pathogenicity. Review status: criteria provided, conflicting classifications (1 of 4 stars). 7 submissions from 7 submitters: Uncertain significance (1); Likely benign (6). Last evaluated 2025-12-29.

Conditions:
Autosomal recessive nonsyndromic hearing loss 30. Identifiers: Orphanet 90636, MedGen C1846784, MONDO:0011774, OMIM 607101.

Allele frequency attached by ClinVar (database versions not stated): 1000 Genomes Project 30x 0.00062; 1000 Genomes Project 0.00080; gnomAD 0.00085 and 0.00087; TOPMed 0.00099; ExAC 0.00128; ESP Exome Variant Server 0.00131; gnomAD exomes 0.00151.
gnomAD v4.1: 1,791 of 1,611,846 alleles (0.11%); highest among the groups gnomAD compares: Middle Eastern, 1%; 6 homozygotes.

Submissions (7):

Labcorp Genetics (formerly Invitae), Labcorp
Classification: Likely benign. Last evaluated: 2025-12-29. Review status: criteria provided, single submitter. Criteria: Invitae Variant Classification Sherloc (09022015). Collection method: clinical testing. Allele origin: germline.

CeGaT Center for Human Genetics Tuebingen
Classification: Likely benign. Last evaluated: 2025-12-01. Review status: criteria provided, single submitter. Criteria: CeGaT Center For Human Genetics Tuebingen Variant Classification Criteria Version 2. Collection method: clinical testing. Allele origin: germline. Affected: yes. Observed: 2 variant alleles.
Comment: MYO3A: BP4, BP7

Blueprint Genetics
Classification: Likely benign. Last evaluated: 2024-11-25. Review status: criteria provided, single submitter. Criteria: ACMG Guidelines, 2015. Collection method: clinical testing. Allele origin: germline.

GeneDx
Classification: Likely benign. Last evaluated: 2021-06-25. Review status: criteria provided, single submitter. Criteria: GeneDx Variant Classification Process June 2021. Collection method: clinical testing. Allele origin: germline. Affected: yes.

Illumina Laboratory Services, Illumina
Classification: Uncertain significance for Autosomal recessive nonsyndromic hearing loss 30. Last evaluated: 2018-01-13. Review status: criteria provided, single submitter. Criteria: ICSL Variant Classification Criteria 13 December 2019. Collection method: clinical testing. Allele origin: germline.

Eurofins Ntd Llc (ga)
Classification: Likely benign. Last evaluated: 2017-07-03. Review status: criteria provided, single submitter. Criteria: EGL Classification Definitions 2015. Collection method: clinical testing. Allele origin: germline. Observed: 1 variant allele, 1 heterozygote.

Laboratory for Molecular Medicine, Mass General Brigham Personalized Medicine
Classification: Likely benign. Last evaluated: 2013-09-25. Review status: criteria provided, single submitter. Criteria: LMM Criteria. Collection method: clinical testing. Allele origin: germline. Observed: 2 variant alleles.
Comment: Asp59Asp in Exon 04 of MYO3A: This variant is not expected to have clinical sign ificance because it does not alter an amino acid residue, is not located within the splice consensus sequence, and has been identified in 0.2% (17/8600) of Euro pean American chromosomes from a broad population by the NHLBI Exome Sequencing Project (dbSNP rs139958275).